The following is an entry in ClinVar:

ClinVar aggregate classification (germline): Uncertain significance (1 of 4 stars; one submission).

Conditions:
Hereditary cancer-predisposing syndrome. Also called: Tumor predisposition; Hereditary neoplastic syndrome; Neoplastic Syndromes, Hereditary; Hereditary Cancer Syndrome. Identifiers: Orphanet 140162, MedGen C0027672, MeSH D009386, MONDO:0015356.

Submission:

Ambry Genetics
Classification: Uncertain significance for Hereditary cancer-predisposing syndrome. Last evaluated: 2025-04-03. Review status: criteria provided, single submitter. Criteria: Ambry Variant Classification Scheme 2023. Collection method: clinical testing. Allele origin: germline.
Comment: The p.G30S variant (also known as c.88G>A), located in coding exon 1 of the FH gene, results from a G to A substitution at nucleotide position 88. The glycine at codon 30 is replaced by serine, an amino acid with similar properties. This amino acid position is conserved. In addition, the in silico prediction for this alteration is inconclusive. Based on the available evidence, the clinical significance of this variant remains unclear.

NM_000143.4(FH):c.88G>A (p.Gly30Ser)

Gene: FH (fumarate hydratase; minus strand). Cytogenetic location: 1q43.
Variant type: single nucleotide variant.
Coding change: c.88G>A on transcript NM_000143.4 (MANE Select); coding-DNA position 88, G replaced by A.
Protein change: p.Gly30Ser; replaces glycine 30 with serine.
Molecular consequence: missense variant.
Genome position (GRCh38, 1-based): chr1:241,519,635, C>T on the plus strand (G>A on the coding strand, the complement: FH is on the minus strand). VCF-style: chr1-241519635-C-T. GRCh37 (hg19) VCF-style: chr1-241682935-C-T.
Other names: short protein forms G30S.
Identifiers: ClinVar variation 4024824 (VCV004024824.1).